The following is an entry in ClinVar:

NM_000044.6(AR):c.1370GCG[11] (p.Gly468_Gly473del)

Gene: AR (androgen receptor; plus strand). Cytogenetic location: Xq12.
Variant type: Microsatellite.
Coding change: c.1370GCG[11] on transcript NM_000044.6 (MANE Select); 11 copies in a row of the 3-base unit GCG starting at c.1370; the reference has 17 copies in a row; six copies, 18 bases deleted.
Protein change: p.Gly468_Gly473del.
Molecular consequence: inframe deletion. On other transcripts: 5 prime UTR variant (1).
Genome position (GRCh38, 1-based): chrX:67,546,549-67,546,566, GCGGCGGCGGCGGCGGCG deleted; deleting any 18 consecutive bases within chrX:67,546,515-67,546,566 gives the same sequence; the position shown is the placement nearest the transcript's 3' end. VCF-style (leftmost placement, unchanged base first): chrX-67546514-TGGCGGCGGCGGCGGCGGC-T. GRCh37 (hg19) VCF-style: chrX-66766356-TGGCGGCGGCGGCGGCGGC-T.
Other names: c.-414GCG[11] (NM_001011645.3); c.1370GCG[11], p.Gly468_Gly473del (NM_001348061.1, NM_001348063.1, NM_001348064.1).
Identifiers: ClinVar variation 1168910 (VCV001168910.33), dbSNP rs746853821, ClinGen allele CA10436424.

ClinVar aggregate classification (germline): Benign. Review status: criteria provided, multiple submitters, no conflicts (2 of 4 stars). 2 submissions from 2 submitters: Benign (2). Last evaluated 2026-01-12.

Conditions:
Androgen resistance syndrome (AIS). Also called: Androgen insensitivity syndrome due to coactivator deficiency; ANDROGEN RECEPTOR DEFICIENCY; DIHYDROTESTOSTERONE RECEPTOR DEFICIENCY; TESTICULAR FEMINIZATION SYNDROME; Androgen insensitivity; DHTR DEFICIENCY. Identifiers: Orphanet 754, Orphanet 99429, MedGen C0039585, MONDO:0019154, OMIM 300068. Disease mechanism: loss of function.
Kennedy disease (SMAX1). Also called: Spinal and Bulbar Muscular Atrophy; KENNEDY SPINAL AND BULBAR MUSCULAR ATROPHY; SPINAL AND BULBAR MUSCULAR ATROPHY, X-LINKED 1. Identifiers: Orphanet 481, MedGen C1839259, MONDO:0010735, OMIM 313200.

Submissions (2):

Labcorp Genetics (formerly Invitae), Labcorp
Classification: Benign for Kennedy disease; Androgen resistance syndrome. Last evaluated: 2026-01-12. Review status: criteria provided, single submitter. Criteria: Invitae Variant Classification Sherloc (09022015). Collection method: clinical testing. Allele origin: germline.

CeGaT Center for Human Genetics Tuebingen
Classification: Benign. Last evaluated: 2024-05-01. Review status: criteria provided, single submitter. Criteria: CeGaT Center For Human Genetics Tuebingen Variant Classification Criteria Version 2. Collection method: clinical testing. Allele origin: germline. Affected: yes. Observed: 5 variant alleles.
Comment: AR: BS1, BS2